The following is an entry in ClinVar:

NM_139318.5(KCNH5):c.912C>G (p.Asp304Glu)

Gene: KCNH5 (potassium voltage-gated channel subfamily H member 5; minus strand). Cytogenetic location: 14q23.2.
Variant type: single nucleotide variant.
Coding change: c.912C>G on transcript NM_139318.5 (MANE Select); coding-DNA position 912, C replaced by G.
Protein change: p.Asp304Glu; replaces aspartic acid 304 with glutamic acid.
Molecular consequence: missense variant.
Genome position (GRCh38, 1-based): chr14:62,980,902, G>C on the plus strand (C>G on the coding strand, the complement: KCNH5 is on the minus strand). VCF-style: chr14-62980902-G-C. GRCh37 (hg19) VCF-style: chr14-63447620-G-C.
Other names: c.912C>G, p.Asp304Glu (NM_172375.3); short protein forms D304E.
Identifiers: ClinVar variation 1980101 (VCV001980101.4), dbSNP rs368857139, ClinGen allele CA7217578.

ClinVar aggregate classification (germline): Uncertain significance (1 of 4 stars; one submission).

Conditions:
Early-infantile DEE. Also called: Early infantile epileptic encephalopathy; Early infantile epileptic encephalopathy with suppression bursts; Ohtahara syndrome. Identifiers: Orphanet 1934, MedGen C0393706, MONDO:0800491.

Allele frequency attached by ClinVar (database versions not stated): ExAC 0.00001; gnomAD 0.00001; TOPMed 0.00003; gnomAD exomes 0.00007; ESP Exome Variant Server 0.00008.
gnomAD v4.1: 99 of 1,613,940 alleles (0.0061%); highest among the groups gnomAD compares: Non-Finnish European, 0.0082%; no homozygotes.

Submission:

Labcorp Genetics (formerly Invitae), Labcorp
Classification: Uncertain significance for Early-infantile DEE. Last evaluated: 2023-04-18. Review status: criteria provided, single submitter. Criteria: Invitae Variant Classification Sherloc (09022015). Collection method: clinical testing. Allele origin: germline.
Comment: In summary, the available evidence is currently insufficient to determine the role of this variant in disease. Therefore, it has been classified as a Variant of Uncertain Significance. Advanced modeling of protein sequence and biophysical properties (such as structural, functional, and spatial information, amino acid conservation, physicochemical variation, residue mobility, and thermodynamic stability) performed at Invitae indicates that this missense variant is not expected to disrupt KCNH5 protein function. ClinVar contains an entry for this variant (Variation ID: 1980101). This variant has not been reported in the literature in individuals affected with KCNH5-related conditions. This variant is present in population databases (rs368857139, gnomAD 0.004%). This sequence change replaces aspartic acid, which is acidic and polar, with glutamic acid, which is acidic and polar, at codon 304 of the KCNH5 protein (p.Asp304Glu).